The following is an entry in ClinVar:

NM_005413.4(SIX3):c.425del (p.Thr142fs)

Gene: SIX3 (SIX homeobox 3; plus strand). Cytogenetic location: 2p21.
Variant type: Deletion.
Coding change: c.425del on transcript NM_005413.4 (MANE Select); coding-DNA position 425, one base deleted (C; older notation c.425delC).
Protein change: p.Thr142fs; shifts the reading frame from threonine 142.
Molecular consequence: frameshift variant.
Genome position (GRCh38, 1-based): chr2:44,942,529, C deleted. VCF-style (leftmost placement, unchanged base first): chr2-44942528-AC-A. GRCh37 (hg19) VCF-style: chr2-45169667-AC-A.
Other names: short protein forms T142fs.
Identifiers: ClinVar variation 1995795 (VCV001995795.4), dbSNP rs2466514157, ClinGen allele CA2580066543.

ClinVar aggregate classification (germline): Pathogenic (1 of 4 stars; one submission).

Conditions:
Holoprosencephaly 2 (HPE2). Identifiers: Orphanet 2162, MedGen C1834877, MONDO:0007999, OMIM 157170.

Submission:

Labcorp Genetics (formerly Invitae), Labcorp
Classification: Pathogenic for Holoprosencephaly 2. Last evaluated: 2022-05-17. Review status: criteria provided, single submitter. Criteria: Invitae Variant Classification Sherloc (09022015). Collection method: clinical testing. Allele origin: germline.
Comment: For these reasons, this variant has been classified as Pathogenic. This variant has not been reported in the literature in individuals affected with SIX3-related conditions. This variant is not present in population databases (gnomAD no frequency). This sequence change creates a premature translational stop signal (p.Thr142Argfs*109) in the SIX3 gene. It is expected to result in an absent or disrupted protein product. Loss-of-function variants in SIX3 are known to be pathogenic (PMID: 18791198).

Literature cited by the submitters: PubMed 18791198.